The following is an entry in ClinVar:

NM_052859.4(RFT1):c.22G>T (p.Gly8Cys)

Genes: RFT1 (RFT1 glycolipid translocator homolog; minus strand), LOC129936883 (ATAC-STARR-seq lymphoblastoid active region 19954; plus strand). Cytogenetic location: 3p21.1.
Variant type: single nucleotide variant.
Coding change: c.22G>T on transcript NM_052859.4 (MANE Select); coding-DNA position 22, G replaced by T.
Protein change: p.Gly8Cys; replaces glycine 8 with cysteine.
Molecular consequence: missense variant.
Genome position (GRCh38, 1-based): chr3:53,130,379, C>A on the plus strand (G>T on the coding strand, the complement: RFT1 is on the minus strand). VCF-style: chr3-53130379-C-A. GRCh37 (hg19) VCF-style: chr3-53164395-C-A.
Other names: c.22G>T (NM_052859.3); short protein forms G8C.
Identifiers: ClinVar variation 1440144 (VCV001440144.9), dbSNP rs993455093, ClinGen allele CA74819698.
Genomic context (GRCh38, chr3:53,130,379, plus strand): 5'-CCTGAAGGGCAGAGAGTACCTGCAGGAGGAGACCGGAGGAGGCCAGCCGGGCCGCGTGGC[C>A]CAGCACCTCCTGGCTGCCCATAGCCTCCGCGCCAGGCTCAGACACCAGGAAATGCCGCCG-3'
Protein context (NP_443091.1, residues 1-18): MGSQEVL[Gly8Cys]HAARLASSGL

ClinVar aggregate classification (germline): Uncertain significance. Review status: criteria provided, multiple submitters, no conflicts (2 of 4 stars). 2 submissions from 2 submitters: Uncertain significance (2). Last evaluated 2024-08-05.

Conditions:
RFT1-congenital disorder of glycosylation (CDG1N). Also called: CDG In; Congenital disorder of glycosylation type In; RFT1-CDG. Identifiers: Orphanet 244310, MedGen C2677590, MONDO:0012783, OMIM 612015.
Inborn genetic diseases. Identifiers: MedGen C0950123, MeSH D030342.

Allele frequency attached by ClinVar (database versions not stated): gnomAD 0.00001 and 0.00002; gnomAD exomes 0.00002; TOPMed 0.00002.
gnomAD v4.1: 8 of 1,560,604 alleles (0.00051%); highest among the groups gnomAD compares: African/African-American, 0.0082%; no homozygotes.

Submissions (2):

Labcorp Genetics (formerly Invitae), Labcorp
Classification: Uncertain significance for RFT1-congenital disorder of glycosylation. Last evaluated: 2024-08-05. Review status: criteria provided, single submitter. Criteria: Invitae Variant Classification Sherloc (09022015). Collection method: clinical testing. Allele origin: germline.
Comment: This sequence change replaces glycine, which is neutral and non-polar, with cysteine, which is neutral and slightly polar, at codon 8 of the RFT1 protein (p.Gly8Cys). The frequency data for this variant in the population databases is considered unreliable, as metrics indicate poor data quality at this position in the gnomAD database. This variant has not been reported in the literature in individuals affected with RFT1-related conditions. ClinVar contains an entry for this variant (Variation ID: 1440144). An algorithm developed to predict the effect of missense changes on protein structure and function (PolyPhen-2) suggests that this variant is likely to be disruptive. In summary, the available evidence is currently insufficient to determine the role of this variant in disease. Therefore, it has been classified as a Variant of Uncertain Significance.

Ambry Genetics
Classification: Uncertain significance for Inborn genetic diseases. Last evaluated: 2022-07-07. Review status: criteria provided, single submitter. Criteria: Ambry Variant Classification Scheme 2023. Collection method: clinical testing. Allele origin: germline.